The following is an entry in ClinVar:

NC_000010.10:g.(?_73970470)_(73970609_?)del

Gene: ASCC1 (activating signal cointegrator 1 complex subunit 1; minus strand). Cytogenetic location: 10q22.1.
Variant type: Deletion.
Identifiers: ClinVar variation 2423961 (VCV002423961.4).

ClinVar aggregate classification (germline): Pathogenic (1 of 4 stars; one submission).

Submission:

Labcorp Genetics (formerly Invitae), Labcorp
Classification: Pathogenic. Last evaluated: 2022-10-28. Review status: criteria provided, single submitter. Criteria: Invitae Variant Classification Sherloc (09022015). Collection method: clinical testing. Allele origin: germline.
Comment: For these reasons, this variant has been classified as Pathogenic. This variant has not been reported in the literature in individuals affected with ASCC1-related conditions. This variant is a gross deletion of the genomic region encompassing exon(s) 3 of the ASCC1 gene. This deletion is out-of-frame, and is expected to create a premature termination codon and result in an absent or disrupted protein product. Loss-of-function variants in ASCC1 are known to be pathogenic (PMID: 30327447).

Literature cited by the submitters: PubMed 30327447.